The following is an entry in ClinVar:

ClinVar aggregate classification (germline): Conflicting classifications of pathogenicity. Review status: criteria provided, conflicting classifications (1 of 4 stars). 3 submissions from 3 submitters: Uncertain significance (1); Likely benign (2). Last evaluated 2026-01-13.

Allele frequency attached by ClinVar (database versions not stated): gnomAD exomes 0.00010; ExAC 0.00011; gnomAD 0.00014; TOPMed 0.00014; 1000 Genomes Project 30x 0.00016; 1000 Genomes Project 0.00020; ESP Exome Variant Server 0.00031.

Submissions (3):

Labcorp Genetics (formerly Invitae), Labcorp
Classification: Likely benign. Last evaluated: 2026-01-13. Review status: criteria provided, single submitter. Criteria: Invitae Variant Classification Sherloc (09022015). Collection method: clinical testing. Allele origin: germline.

Mayo Clinic Laboratories, Mayo Clinic
Classification: Likely benign. Last evaluated: 2025-08-14. Review status: criteria provided, single submitter. Criteria: ACMG Guidelines, 2015. Collection method: clinical testing. Allele origin: germline. Observed: 1 variant allele.
Comment: BP4, BP7

Eurofins Ntd Llc (ga)
Classification: Uncertain significance. Last evaluated: 2018-08-16. Review status: criteria provided, single submitter. Criteria: EGL ClinVar v180209 classification definitions. Collection method: clinical testing. Allele origin: germline. Observed: 1 variant allele, 1 heterozygote.

NM_002979.5(SCP2):c.1074C>T (p.Gly358=)

Gene: SCP2 (sterol carrier protein 2; plus strand). Cytogenetic location: 1p32.3.
Variant type: single nucleotide variant.
Coding change: c.1074C>T on transcript NM_002979.5 (MANE Select); coding-DNA position 1074, C replaced by T.
Protein change: p.Gly358=; no amino-acid change (glycine 358 retained).
Molecular consequence: synonymous variant.
Genome position (GRCh38, 1-based): chr1:52,988,129, C>T. VCF-style: chr1-52988129-C-T. GRCh37 (hg19) VCF-style: chr1-53453801-C-T.
Other names: p.Gly358=; c.942C>T, p.Gly314= (NM_001007098.3, NM_001193600.2); c.1002C>T, p.Gly334= (NM_001193599.2); c.831C>T, p.Gly277= (NM_001193617.2); c.1074C>T, p.Gly358= (NM_001330587.2).
Identifiers: ClinVar variation 598433 (VCV000598433.15), dbSNP rs74638331, ClinGen allele CA857284.